The following is an entry in ClinVar:

ClinVar aggregate classification (germline): Uncertain significance (1 of 4 stars; one submission).

Submission:

Dasa
Classification: Uncertain significance. Last evaluated: 2026-03-26. Review status: criteria provided, single submitter. Criteria: DASA Assertion Criteria. Collection method: clinical testing. Allele origin: germline.
Comment: NM_000052.7(ATP7A):c.2987T>C (p.Leu996Pro) is a missense variant that results in the substitution of leucine with proline. This variant is rare in population databases. Computational prediction algorithms are consistent with a deleterious effect. The currently available literature and clinical evidence are not sufficient to establish a definitive association between this variant and the reported condition. Therefore, this variant is classified as a variant of uncertain significance.

NM_000052.7(ATP7A):c.2987T>C (p.Leu996Pro)

Gene: ATP7A (ATPase copper transporting alpha; plus strand). Cytogenetic location: Xq21.1.
Variant type: single nucleotide variant.
Coding change: c.2987T>C on transcript NM_000052.7 (MANE Select); coding-DNA position 2987, T replaced by C.
Protein change: p.Leu996Pro; replaces leucine 996 with proline.
Molecular consequence: missense variant.
Genome position (GRCh38, 1-based): chrX:78,029,320, T>C. VCF-style: chrX-78029320-T-C. GRCh37 (hg19) VCF-style: chrX-77284817-T-C.
Other names: c.2753T>C, p.Leu918Pro (NM_001282224.2); short protein forms L918P, L996P.
Identifiers: ClinVar variation 4882249 (VCV004882249.2).